The following is an entry in ClinVar:

NC_000022.10:g.(?_42461722)_(42464598_?)del

Gene: NAGA (alpha-N-acetylgalactosaminidase; minus strand). Cytogenetic location: 22q13.2.
Variant type: Deletion.
Identifiers: ClinVar variation 2422706 (VCV002422706.4).

ClinVar aggregate classification (germline): Pathogenic (1 of 4 stars; one submission).

Conditions:
Alpha-N-acetylgalactosaminidase deficiency type 1. Also called: NAGA DEFICIENCY, TYPE I; NEUROAXONAL DYSTROPHY, SCHINDLER TYPE; ALPHA-N-ACETYLGALACTOSAMINIDASE DEFICIENCY, TYPE I; SCHINDLER DISEASE, TYPE I. Identifiers: Orphanet 3137, Orphanet 79279, Orphanet 79281, MedGen C1836544, MONDO:0012221, OMIM 609241.

Submission:

Labcorp Genetics (formerly Invitae), Labcorp
Classification: Pathogenic for Alpha-N-acetylgalactosaminidase deficiency type 1. Last evaluated: 2024-01-06. Review status: criteria provided, single submitter. Criteria: Invitae Variant Classification Sherloc (09022015). Collection method: clinical testing. Allele origin: germline.
Comment: This variant is a gross deletion of the genomic region encompassing exon(s) 2-6 of the NAGA gene. This deletion is out-of-frame, and is expected to create a premature termination codon and result in an absent or disrupted protein product. Loss-of-function variants in NAGA are known to be pathogenic (PMID: 8782044, 11251574). This variant has not been reported in the literature in individuals affected with NAGA-related conditions. For these reasons, this variant has been classified as Pathogenic.

Literature cited by the submitters: PubMed 8782044; PubMed 11251574.